The following is an entry in ClinVar:

NM_021067.5(GINS1):c.520C>T (p.Gln174Ter)

Gene: GINS1 (GINS complex subunit 1; plus strand). Cytogenetic location: 20p11.21.
Variant type: single nucleotide variant.
Coding change: c.520C>T on transcript NM_021067.5 (MANE Select); coding-DNA position 520, C replaced by T.
Protein change: p.Gln174Ter; replaces glutamine 174 with a stop codon.
Molecular consequence: nonsense. On other transcripts: non-coding transcript variant (1).
Genome position (GRCh38, 1-based): chr20:25,441,774, C>T. VCF-style: chr20-25441774-C-T. GRCh37 (hg19) VCF-style: chr20-25422410-C-T.
Other names: c.403C>T, p.Gln135Ter (NM_001410830.1); c.265C>T, p.Gln89Ter (NM_001410831.1); short protein forms Q89*, Q135*, Q174*.
Identifiers: ClinVar variation 2027202 (VCV002027202.4), dbSNP rs1192474884, ClinGen allele CA408450890.

ClinVar aggregate classification (germline): Uncertain significance (1 of 4 stars; one submission).

Allele frequency attached by ClinVar (database versions not stated): gnomAD exomes below 0.00001; TOPMed below 0.00001; gnomAD 0.00001.
gnomAD v4.1: 3 of 1,473,366 alleles (0.0002%); highest among the groups gnomAD compares: Non-Finnish European, 0.00028%; no homozygotes.

Submission:

Labcorp Genetics (formerly Invitae), Labcorp
Classification: Uncertain significance. Last evaluated: 2022-08-26. Review status: criteria provided, single submitter. Criteria: Invitae Variant Classification Sherloc (09022015). Collection method: clinical testing. Allele origin: germline.
Comment: In summary, the available evidence is currently insufficient to determine the role of this variant in disease. Therefore, it has been classified as a Variant of Uncertain Significance. Experimental studies and prediction algorithms are not available or were not evaluated, and the functional significance of this variant is currently unknown. This variant has not been reported in the literature in individuals affected with GINS1-related conditions. This variant is not present in population databases (gnomAD no frequency). This sequence change creates a premature translational stop signal (p.Gln174*) in the GINS1 gene. While this is not anticipated to result in nonsense mediated decay, it is expected to disrupt the last 23 amino acid(s) of the GINS1 protein.